The following is an entry in ClinVar:

NM_000268.4(NF2):c.1721A>C (p.His574Pro)

Gene: NF2 (NF2, moesin-ezrin-radixin like (MERLIN) tumor suppressor; plus strand). Cytogenetic location: 22q12.2.
Variant type: single nucleotide variant.
Coding change: c.1721A>C on transcript NM_000268.4 (MANE Select); coding-DNA position 1721, A replaced by C.
Protein change: p.His574Pro; replaces histidine 574 with proline.
Molecular consequence: missense variant. On other transcripts: non-coding transcript variant (1), intron variant (1).
Genome position (GRCh38, 1-based): chr22:29,681,585, A>C. VCF-style: chr22-29681585-A-C. GRCh37 (hg19) VCF-style: chr22-30077574-A-C.
Other names: c.1721A>C (NM_000268.3, NM_181832.2); c.1721A>C, p.His574Pro (NM_016418.5, NM_181825.3, NM_181832.3); c.1595A>C, p.His532Pro (NM_181828.3); c.1598A>C, p.His533Pro (NM_181829.3); c.1472A>C, p.His491Pro (NM_181830.3, NM_181831.3); c.448-13167A>C (NM_181833.3); short protein forms H491P, H574P, H532P, H533P.
Identifiers: ClinVar variation 1043762 (VCV001043762.12), dbSNP rs1601666509, ClinGen allele CA411150498.
Genomic context (GRCh38, chr22:29,681,585, plus strand): 5'-GGGAGACAGCTCTGGATATTCTGCACAATGAGAACTCCGACAGGGGTGGCAGCAGCAAGC[A>C]CAATACCATTAAAAAGGTACCCAGGGTCTCTTTCTTGTATTTTGCTGATCAGGACCATCA-3'
Protein context (NP_000259.1, residues 564-584): ENSDRGGSSK[His574Pro]NTIKKLTLQS

ClinVar aggregate classification (germline): Uncertain significance. Review status: criteria provided, multiple submitters, no conflicts (2 of 4 stars). 3 submissions from 3 submitters: Uncertain significance (3). Last evaluated 2025-02-27.

Conditions:
Hereditary cancer-predisposing syndrome. Also called: Tumor predisposition; Hereditary neoplastic syndrome; Neoplastic Syndromes, Hereditary; Hereditary Cancer Syndrome. Identifiers: Orphanet 140162, MedGen C0027672, MeSH D009386, MONDO:0015356.
NF2-related disorder. Also called: NF2-related condition.
Neurofibromatosis, type 2 (SWNV). Also called: NF2-Related Schwannomatosis; BILATERAL ACOUSTIC NEUROFIBROMATOSIS; SCHWANNOMATOSIS, VESTIBULAR. Identifiers: Orphanet 637, MedGen C0027832, MONDO:0007039, OMIM 101000. Disease mechanism: loss of function.

gnomAD v4.1: 2 of 1,614,130 alleles (0.00012%); highest among the groups gnomAD compares: Non-Finnish European, 0.00017%; no homozygotes.

Submissions (3):

PreventionGenetics, part of Exact Sciences
Classification: Uncertain significance for NF2-related condition. Last evaluated: 2025-02-27. Review status: criteria provided, single submitter. Criteria: ACMG Guidelines, 2015. Collection method: clinical testing. Allele origin: germline.
Comment: The NF2 c.1721A>C variant is predicted to result in the amino acid substitution p.His574Pro. To our knowledge, this variant has not been reported in the literature or in a large population database (gnomAD), indicating this variant is rare. At this time, the clinical significance of this variant is uncertain due to the absence of conclusive functional and genetic evidence.

Ambry Genetics
Classification: Uncertain significance for Hereditary cancer-predisposing syndrome. Last evaluated: 2023-08-01. Review status: criteria provided, single submitter. Criteria: Ambry Variant Classification Scheme 2023. Collection method: clinical testing. Allele origin: germline.
Comment: The p.H574P variant (also known as c.1721A>C), located in coding exon 15 of the NF2 gene, results from an A to C substitution at nucleotide position 1721. The histidine at codon 574 is replaced by proline, an amino acid with similar properties. This amino acid position is conserved. In addition, the in silico prediction for this alteration is inconclusive. Since supporting evidence is limited at this time, the clinical significance of this alteration remains unclear.

Labcorp Genetics (formerly Invitae), Labcorp
Classification: Uncertain significance for Neurofibromatosis, type 2. Last evaluated: 2023-03-26. Review status: criteria provided, single submitter. Criteria: Invitae Variant Classification Sherloc (09022015). Collection method: clinical testing. Allele origin: germline.
Comment: This sequence change replaces histidine, which is basic and polar, with proline, which is neutral and non-polar, at codon 574 of the NF2 protein (p.His574Pro). This variant is not present in population databases (gnomAD no frequency). This variant has not been reported in the literature in individuals affected with NF2-related conditions. ClinVar contains an entry for this variant (Variation ID: 1043762). Advanced modeling of protein sequence and biophysical properties (such as structural, functional, and spatial information, amino acid conservation, physicochemical variation, residue mobility, and thermodynamic stability) performed at Invitae indicates that this missense variant is not expected to disrupt NF2 protein function. In summary, the available evidence is currently insufficient to determine the role of this variant in disease. Therefore, it has been classified as a Variant of Uncertain Significance.